The following is an entry in ClinVar:

ClinVar aggregate classification (germline): Uncertain significance (1 of 4 stars; one submission).

Conditions:
Brunner syndrome (BRNRS). Identifiers: Orphanet 3057, MedGen C0796275, MONDO:0010379, OMIM 300615.

Submission:

Labcorp Genetics (formerly Invitae), Labcorp
Classification: Uncertain significance for Brunner syndrome. Last evaluated: 2022-02-25. Review status: criteria provided, single submitter. Criteria: Invitae Variant Classification Sherloc (09022015). Collection method: clinical testing. Allele origin: germline.
Comment: This variant is not present in population databases (gnomAD no frequency). This sequence change replaces valine, which is neutral and non-polar, with leucine, which is neutral and non-polar, at codon 517 of the MAOA protein (p.Val517Leu). In summary, the available evidence is currently insufficient to determine the role of this variant in disease. Therefore, it has been classified as a Variant of Uncertain Significance. Algorithms developed to predict the effect of missense changes on protein structure and function output the following: SIFT: "Tolerated"; PolyPhen-2: "Benign"; Align-GVGD: "Class C0". The leucine amino acid residue is found in multiple mammalian species, which suggests that this missense change does not adversely affect protein function. This variant has not been reported in the literature in individuals affected with MAOA-related conditions.

NM_000240.4(MAOA):c.1549G>C (p.Val517Leu)

Gene: MAOA (monoamine oxidase A; plus strand). Cytogenetic location: Xp11.3.
Variant type: single nucleotide variant.
Coding change: c.1549G>C on transcript NM_000240.4 (MANE Select); coding-DNA position 1549, G replaced by C.
Protein change: p.Val517Leu; replaces valine 517 with leucine.
Molecular consequence: missense variant.
Genome position (GRCh38, 1-based): chrX:43,744,478, G>C. VCF-style: chrX-43744478-G-C. GRCh37 (hg19) VCF-style: chrX-43603725-G-C.
Other names: c.1150G>C, p.Val384Leu (NM_001270458.2); short protein forms V384L, V517L.
Identifiers: ClinVar variation 2103695 (VCV002103695.4), dbSNP rs140960519, ClinGen allele CA413011282.